The following is an entry in ClinVar:

ClinVar aggregate classification (germline): Benign/Likely benign. Review status: criteria provided, multiple submitters, no conflicts (2 of 4 stars). 5 submissions from 5 submitters: Benign (1); Likely benign (4). Last evaluated 2026-01-24.

Conditions:
Jeune thoracic dystrophy. Also called: Jeune syndrome; Infantile thoracic dystrophy; Thoracic pelvic phalangeal dystrophy; Jeune's syndrome; Chondroectodermal dysplasia-like syndrome; Short-rib thoracic dysplasia. Identifiers: Orphanet 474, MedGen C0265275, MONDO:0018770.
Asphyxiating thoracic dystrophy 3. Also called: POLYDACTYLY WITH NEONATAL CHONDRODYSTROPHY, TYPE I; SHORT-RIB THORACIC DYSPLASIA 3/6 WITH POLYDACTYLY, DIGENIC; SHORT-RIB THORACIC DYSPLASIA 3 WITH OR WITHOUT POLYDACTYLY; Short rib polydactyly syndrome 2B; Saldino-Noonan Syndrome. Identifiers: Orphanet 474, Orphanet 93269, Orphanet 93270, Orphanet 93271, MedGen C0036069, MONDO:0013127, OMIM 613091.

Allele frequency attached by ClinVar (database versions not stated): gnomAD exomes 0.00156 and 0.00071; 1000 Genomes Project 0.00200; 1000 Genomes Project 30x 0.00234; ExAC 0.00449; gnomAD 0.00021 and 0.00046; TOPMed 0.00032.
gnomAD v4.1: 1,050 of 1,534,834 alleles (0.068%); highest among the groups gnomAD compares: South Asian, 0.92%; 16 homozygotes.

Submissions (5):

Labcorp Genetics (formerly Invitae), Labcorp
Classification: Benign for Jeune thoracic dystrophy. Last evaluated: 2026-01-24. Review status: criteria provided, single submitter. Criteria: Invitae Variant Classification Sherloc (09022015). Collection method: clinical testing. Allele origin: germline.

Blueprint Genetics
Classification: Likely benign. Last evaluated: 2024-11-19. Review status: criteria provided, single submitter. Criteria: ACMG Guidelines, 2015. Collection method: clinical testing. Allele origin: germline.

CeGaT Center for Human Genetics Tuebingen
Classification: Likely benign. Last evaluated: 2024-08-01. Review status: criteria provided, single submitter. Criteria: CeGaT Center For Human Genetics Tuebingen Variant Classification Criteria Version 2. Collection method: clinical testing. Allele origin: germline. Affected: yes. Observed: 2 variant alleles.
Comment: DYNC2H1: BP4, BP7, BS2

ARUP Laboratories, Molecular Genetics and Genomics, ARUP Laboratories
Classification: Likely benign for Asphyxiating thoracic dystrophy 3. Last evaluated: 2023-09-05. Review status: criteria provided, single submitter. Criteria: ARUP Molecular Germline Variant Investigation Process 2024. Collection method: clinical testing. Allele origin: germline.

Illumina Laboratory Services, Illumina
Classification: Likely benign for Asphyxiating thoracic dystrophy 3. Last evaluated: 2018-01-12. Review status: criteria provided, single submitter. Criteria: ICSL Variant Classification Criteria 13 December 2019. Collection method: clinical testing. Allele origin: germline.
Comment: This variant was observed in the ICSL laboratory as part of a predisposition screen in an ostensibly healthy population. It had not been previously curated by ICSL or reported in the Human Gene Mutation Database (HGMD: prior to June 1st, 2018), and was therefore a candidate for classification through an automated scoring system. Utilizing variant allele frequency, disease prevalence and penetrance estimates, and inheritance mode, an automated score was calculated to assess if this variant is too frequent to cause the disease. Based on the score and internal cut-off values, a variant classified as likely benign is not then subjected to further curation. The score for this variant resulted in a classification of likely benign for this disease.

NM_001377.3(DYNC2H1):c.4719A>G (p.Gln1573=)

Gene: DYNC2H1 (dynein cytoplasmic 2 heavy chain 1; plus strand). Cytogenetic location: 11q22.3.
Variant type: single nucleotide variant.
Coding change: c.4719A>G on transcript NM_001377.3 (MANE Select); coding-DNA position 4719, A replaced by G.
Protein change: p.Gln1573=; no amino-acid change (glutamine 1573 retained).
Molecular consequence: synonymous variant.
Genome position (GRCh38, 1-based): chr11:103,166,005, A>G. VCF-style: chr11-103166005-A-G. GRCh37 (hg19) VCF-style: chr11-103036734-A-G.
Other names: c.4719A>G, p.Gln1573= (NM_001080463.2).
Identifiers: ClinVar variation 459280 (VCV000459280.40), dbSNP rs201016942, ClinGen allele CA6253617.